The following is an entry in ClinVar:

ClinVar aggregate classification (germline): Uncertain significance. Review status: criteria provided, multiple submitters, no conflicts (2 of 4 stars). 2 submissions from 2 submitters: Uncertain significance (2). Last evaluated 2025-08-22.

Conditions:
Inborn genetic diseases. Identifiers: MedGen C0950123, MeSH D030342.

Allele frequency attached by ClinVar (database versions not stated): gnomAD exomes 0.00002.
gnomAD v4.1: 24 of 1,613,854 alleles (0.0015%); highest among the groups gnomAD compares: Non-Finnish European, 0.002%; no homozygotes.

Submissions (2):

Ambry Genetics
Classification: Uncertain significance for Inborn genetic diseases. Last evaluated: 2025-08-22. Review status: criteria provided, single submitter. Criteria: Ambry Variant Classification Scheme 2023. Collection method: clinical testing. Allele origin: germline.

Labcorp Genetics (formerly Invitae), Labcorp
Classification: Uncertain significance. Last evaluated: 2022-07-19. Review status: criteria provided, single submitter. Criteria: Invitae Variant Classification Sherloc (09022015). Collection method: clinical testing. Allele origin: germline.
Comment: This variant is present in population databases (no rsID available, gnomAD 0.004%). This sequence change replaces lysine, which is basic and polar, with glutamic acid, which is acidic and polar, at codon 3290 of the VCAN protein (p.Lys3290Glu). This variant has not been reported in the literature in individuals affected with VCAN-related conditions. In summary, the available evidence is currently insufficient to determine the role of this variant in disease. Therefore, it has been classified as a Variant of Uncertain Significance. Algorithms developed to predict the effect of missense changes on protein structure and function are either unavailable or do not agree on the potential impact of this missense change (SIFT: "Deleterious"; PolyPhen-2: "Probably Damaging"; Align-GVGD: "Class C0").

NM_004385.5(VCAN):c.9868A>G (p.Lys3290Glu)

Gene: VCAN (versican; plus strand). Cytogenetic location: 5q14.3.
Variant type: single nucleotide variant.
Coding change: c.9868A>G on transcript NM_004385.5 (MANE Select); coding-DNA position 9868, A replaced by G.
Protein change: p.Lys3290Glu; replaces lysine 3290 with glutamic acid.
Molecular consequence: missense variant.
Genome position (GRCh38, 1-based): chr5:83,572,548, A>G. VCF-style: chr5-83572548-A-G. GRCh37 (hg19) VCF-style: chr5-82868367-A-G.
Other names: c.9868A>G (NM_004385.4); c.1645A>G, p.Lys549Glu (NM_001126336.3); c.6907A>G, p.Lys2303Glu (NM_001164097.2); c.4606A>G, p.Lys1536Glu (NM_001164098.2); short protein forms K3290E, K1536E, K549E, K2303E.
Identifiers: ClinVar variation 1975183 (VCV001975183.6), dbSNP rs1412023127, ClinGen allele CA360298842.